The following is an entry in ClinVar:

ClinVar aggregate classification (germline): Uncertain significance (1 of 4 stars; one submission).

Conditions:
Severe combined immunodeficiency due to DCLRE1C deficiency (RS-SCID). Also called: SCID, AUTOSOMAL RECESSIVE, T CELL-NEGATIVE, B CELL-NEGATIVE, NK CELL-POSITIVE, WITH SENSITIVITY TO IONIZING RADIATION. Identifiers: Orphanet 275, MedGen C1865371, MONDO:0011225, OMIM 602450.

Allele frequency attached by ClinVar (database versions not stated): gnomAD exomes below 0.00001.

Submission:

Labcorp Genetics (formerly Invitae), Labcorp
Classification: Uncertain significance for Athabaskan severe combined immunodeficiency. Last evaluated: 2022-08-06. Review status: criteria provided, single submitter. Criteria: Invitae Variant Classification Sherloc (09022015). Collection method: clinical testing. Allele origin: germline.
Comment: This sequence change replaces glutamic acid, which is acidic and polar, with lysine, which is basic and polar, at codon 678 of the DCLRE1C protein (p.Glu678Lys). This variant is present in population databases (no rsID available, gnomAD 0.006%). This variant has not been reported in the literature in individuals affected with DCLRE1C-related conditions. Algorithms developed to predict the effect of missense changes on protein structure and function are either unavailable or do not agree on the potential impact of this missense change (SIFT: "Deleterious"; PolyPhen-2: "Possibly Damaging"; Align-GVGD: "Class C0"). Algorithms developed to predict the effect of sequence changes on RNA splicing suggest that this variant may create or strengthen a splice site. In summary, the available evidence is currently insufficient to determine the role of this variant in disease. Therefore, it has been classified as a Variant of Uncertain Significance.

NM_001033855.3(DCLRE1C):c.2032G>A (p.Glu678Lys)

Gene: DCLRE1C (DNA cross-link repair 1C; minus strand). Cytogenetic location: 10p13.
Variant type: single nucleotide variant.
Coding change: c.2032G>A on transcript NM_001033855.3 (MANE Select); coding-DNA position 2032, G replaced by A.
Protein change: p.Glu678Lys; replaces glutamic acid 678 with lysine.
Molecular consequence: missense variant. On other transcripts: non-coding transcript variant (3), intron variant (3).
Genome position (GRCh38, 1-based): chr10:14,908,455, C>T on the plus strand (G>A on the coding strand, the complement: DCLRE1C is on the minus strand). VCF-style: chr10-14908455-C-T. GRCh37 (hg19) VCF-style: chr10-14950454-C-T.
Other names: c.1672G>A, p.Glu558Lys (NM_001033857.3, NM_001033858.3, NM_001289077.2 and 1 more transcripts); c.1687G>A, p.Glu563Lys (NM_001289076.2, NM_001289078.2, NM_022487.4); c.1437+250G>A (NM_001350966.2); c.1782+250G>A (NM_001350965.2); c.1422+250G>A (NM_001350967.2); short protein forms E563K, E678K, E558K.
Identifiers: ClinVar variation 1907271 (VCV001907271.2), dbSNP rs1447371858, ClinGen allele CA376073991.
Genomic context (GRCh38, chr10:14,908,455, plus strand): 5'-ACGCTTTGAATTCTTAGGTATCTAAGAGTGAGCATTTTCTTTTTTTGACTGCTATACTCT[C>T]ACCAGTTGCCAGCTTCTCATATAAATATTGTAAATGCTCTCGTTTAGGTAACTCAGCTTC-3'
Protein context (NP_001029027.1, residues 668-688): QYLYEKLATG[Glu678Lys]SIAVKKRKCS